The following is an entry in ClinVar:

NM_001378452.1(ITPR1):c.7523A>C (p.Glu2508Ala)

Gene: ITPR1 (inositol 1,4,5-trisphosphate receptor type 1; plus strand). Cytogenetic location: 3p26.1.
Variant type: single nucleotide variant.
Coding change: c.7523A>C on transcript NM_001378452.1 (MANE Select); coding-DNA position 7523, A replaced by C.
Protein change: p.Glu2508Ala; replaces glutamic acid 2508 with alanine.
Molecular consequence: missense variant.
Genome position (GRCh38, 1-based): chr3:4,813,196, A>C. VCF-style: chr3-4813196-A-C. GRCh37 (hg19) VCF-style: chr3-4854880-A-C.
Other names: c.7379A>C, p.Glu2460Ala (NM_001099952.4); c.7478A>C, p.Glu2493Ala (NM_001168272.2); c.7334A>C, p.Glu2445Ala (NM_002222.7); short protein forms E2445A, E2460A, E2493A, E2508A.
Identifiers: ClinVar variation 3389557 (VCV003389557.14).

ClinVar aggregate classification (germline): Uncertain significance (1 of 4 stars; one submission).

Submission:

CeGaT Center for Human Genetics Tuebingen
Classification: Uncertain significance. Last evaluated: 2024-09-01. Review status: criteria provided, single submitter. Criteria: CeGaT Center For Human Genetics Tuebingen Variant Classification Criteria Version 2. Collection method: clinical testing. Allele origin: germline. Affected: yes. Observed: 1 variant allele.
Comment: ITPR1: PM2